The following is an entry in ClinVar:

NM_001123385.2(BCOR):c.4902C>A (p.Ser1634Arg)

Gene: BCOR (BCL6 corepressor; minus strand). Cytogenetic location: Xp11.4.
Variant type: single nucleotide variant.
Coding change: c.4902C>A on transcript NM_001123385.2 (MANE Select); coding-DNA position 4902, C replaced by A.
Protein change: p.Ser1634Arg; replaces serine 1634 with arginine.
Molecular consequence: missense variant.
Genome position (GRCh38, 1-based): chrX:40,053,960, G>T on the plus strand (C>A on the coding strand, the complement: BCOR is on the minus strand). VCF-style: chrX-40053960-G-T. GRCh37 (hg19) VCF-style: chrX-39913213-G-T.
Other names: c.4800C>A, p.Ser1600Arg (NM_001123383.2, NM_017745.6); c.4746C>A, p.Ser1582Arg (NM_001123384.2); short protein forms S1582R, S1600R, S1634R.
Identifiers: ClinVar variation 3253119 (VCV003253119.1), dbSNP rs747409134.
Genomic context (GRCh38, chrX:40,053,960, plus strand): 5'-TACTTGGATGTTATAACACGGTAAGAGGGGGGTCTCTGAAAATTCAAATTCAAACACATC[G>T]CTATAGGCATCGTCATCATCATCCTGGTCTTCTGGTCCTGGGGGGTTGGCTAAAACATCA-3'
Protein context (NP_001116857.1, residues 1624-1644): EDQDDDDDAY[Ser1634Arg]DVFEFEFSET

ClinVar aggregate classification (germline): Uncertain significance (1 of 4 stars; one submission).

Submission:

GeneDx
Classification: Uncertain significance. Last evaluated: 2023-12-11. Review status: criteria provided, single submitter. Criteria: GeneDx Variant Classification Process June 2021. Collection method: clinical testing. Allele origin: germline. Affected: yes.
Comment: Not observed at significant frequency in large population cohorts (gnomAD); In silico analysis supports that this missense variant does not alter protein structure/function; Has not been previously published as pathogenic or benign to our knowledge